The following is an entry in ClinVar:

ClinVar aggregate classification (germline): Likely benign. Review status: criteria provided, multiple submitters, no conflicts (2 of 4 stars). 2 submissions from 2 submitters: Likely benign (2). Last evaluated 2024-09-25.

Conditions:
Familial melanoma. Also called: Hereditary melanoma; Hereditary cutaneous melanoma. Identifiers: Orphanet 618, MedGen C1512419, MONDO:0018961.
Melanoma, cutaneous malignant, susceptibility to, 3. Also called: Cutaneous malignant melanoma 3. Identifiers: Orphanet 618, MedGen C1836892, MONDO:0012183, OMIM 609048.

Allele frequency attached by ClinVar (database versions not stated): TOPMed below 0.00001; gnomAD 0.00002; ExAC 0.00003; gnomAD exomes 0.00004.
gnomAD v4.1: 22 of 1,614,038 alleles (0.0014%); highest among the groups gnomAD compares: Non-Finnish European, 0.001%; no homozygotes.

Submissions (2):

Myriad Genetics, Inc.
Classification: Likely benign for Melanoma, cutaneous malignant, susceptibility to, 3. Last evaluated: 2024-09-25. Review status: criteria provided, single submitter. Criteria: Myriad Autosomal Dominant, Autosomal Recessive and X-Linked Classification Criteria (2023). Collection method: clinical testing. Allele origin: unknown.
Comment: This variant is considered likely benign. This variant is intronic and is not expected to impact mRNA splicing.

Labcorp Genetics (formerly Invitae), Labcorp
Classification: Likely benign for Familial melanoma. Last evaluated: 2024-08-21. Review status: criteria provided, single submitter. Criteria: Invitae Variant Classification Sherloc (09022015). Collection method: clinical testing. Allele origin: germline.

NM_000075.4(CDK4):c.354+9G>T

Gene: CDK4 (cyclin dependent kinase 4; minus strand). Cytogenetic location: 12q14.1.
Variant type: single nucleotide variant.
Coding change: c.354+9G>T on transcript NM_000075.4 (MANE Select); 9 bases into the intron after coding-DNA position 354, G replaced by T.
Molecular consequence: intron variant.
Genome position (GRCh38, 1-based): chr12:57,751,198, C>A on the plus strand (G>T on the coding strand, the complement: CDK4 is on the minus strand). VCF-style: chr12-57751198-C-A. GRCh37 (hg19) VCF-style: chr12-58144981-C-A.
Identifiers: ClinVar variation 1618751 (VCV001618751.9), dbSNP rs771456729, ClinGen allele CA6657835.